The following is an entry in ClinVar:

ClinVar aggregate classification (germline): Pathogenic/Likely pathogenic. Review status: criteria provided, multiple submitters, no conflicts (2 of 4 stars). 2 submissions from 2 submitters: Pathogenic (1); Likely pathogenic (1). Last evaluated 2022-06-21.

Conditions:
Ververi-Brady syndrome 1. Identifiers: Orphanet 580940, MedGen C6065891, MONDO:0060707, OMIM 617982.

Submissions (2):

Labcorp Genetics (formerly Invitae), Labcorp
Classification: Pathogenic. Last evaluated: 2022-06-21. Review status: criteria provided, single submitter. Criteria: Invitae Variant Classification Sherloc (09022015). Collection method: clinical testing. Allele origin: germline.
Comment: This variant is not present in population databases (gnomAD no frequency). This sequence change creates a premature translational stop signal (p.Gln439*) in the QRICH1 gene. It is expected to result in an absent or disrupted protein product. Loss-of-function variants in QRICH1 are known to be pathogenic (PMID: 28692176). For these reasons, this variant has been classified as Pathogenic. This variant has not been reported in the literature in individuals affected with QRICH1-related conditions.

Juno Genomics, Hangzhou Juno Genomics, Inc
Classification: Likely pathogenic for Ververi-Brady syndrome 1. Review status: criteria provided, single submitter. Criteria: ACMG Guidelines, 2015. Collection method: clinical testing. Allele origin: germline. Affected: yes.
Comment: Absent from controls (or at extremely low frequency if recessive) in Genome Aggregation Database.;Null variant in a gene where loss of function (LOF) is a known mechanism of disease.

Literature cited by the submitters: PubMed 28692176 (cited by Labcorp Genetics (formerly Invitae), Labcorp).

NM_198880.3(QRICH1):c.1315C>T (p.Gln439Ter)

Gene: QRICH1 (glutamine rich 1; minus strand). Cytogenetic location: 3p21.31.
Variant type: single nucleotide variant.
Coding change: c.1315C>T on transcript NM_198880.3 (MANE Select); coding-DNA position 1315, C replaced by T.
Protein change: p.Gln439Ter; replaces glutamine 439 with a stop codon.
Molecular consequence: nonsense.
Genome position (GRCh38, 1-based): chr3:49,056,885, G>A on the plus strand (C>T on the coding strand, the complement: QRICH1 is on the minus strand). VCF-style: chr3-49056885-G-A. GRCh37 (hg19) VCF-style: chr3-49094318-G-A.
Other names: c.1315C>T, p.Gln439Ter (NM_001320580.2, NM_001320581.2, NM_001320582.2 and 4 more transcripts); short protein forms Q439*.
Identifiers: ClinVar variation 2008780 (VCV002008780.5), dbSNP rs2471706730, ClinGen allele CA352666405.